The following is an entry in ClinVar:

NM_001081.4(CUBN):c.1378C>T (p.Arg460Cys)

Gene: CUBN (cubilin; minus strand). Cytogenetic location: 10p13.
Variant type: single nucleotide variant.
Coding change: c.1378C>T on transcript NM_001081.4 (MANE Select); coding-DNA position 1378, C replaced by T.
Protein change: p.Arg460Cys; replaces arginine 460 with cysteine.
Molecular consequence: missense variant.
Genome position (GRCh38, 1-based): chr10:17,104,458, G>A on the plus strand (C>T on the coding strand, the complement: CUBN is on the minus strand). VCF-style: chr10-17104458-G-A. GRCh37 (hg19) VCF-style: chr10-17146457-G-A.
Other names: short protein forms R460C.
Identifiers: ClinVar variation 2060993 (VCV002060993.4), dbSNP rs778961539, ClinGen allele CA5425303.

ClinVar aggregate classification (germline): Uncertain significance (1 of 4 stars; one submission).

Conditions:
Imerslund-Grasbeck syndrome. Also called: Imerslund-Gräsbeck syndrome; Megaloblastic anemia due to inborn errors of metabolism; ENTEROCYTE COBALAMIN MALABSORPTION; ENTEROCYTE INTRINSIC FACTOR RECEPTOR, DEFECT OF; PERNICIOUS ANEMIA, JUVENILE, DUE TO SELECTIVE INTESTINAL MALABSORPTION OF VITAMIN B12, WITH PROTEINURIA. Identifiers: Orphanet 35858, MedGen C4551825, MONDO:0009853.

Allele frequency attached by ClinVar (database versions not stated): TOPMed 0.00001; ExAC 0.00012.
gnomAD v4.1: 47 of 1,613,864 alleles (0.0029%); highest among the groups gnomAD compares: Non-Finnish European, 0.0036%; no homozygotes.

Submission:

Labcorp Genetics (formerly Invitae), Labcorp
Classification: Uncertain significance for Imerslund-Grasbeck syndrome. Last evaluated: 2022-02-20. Review status: criteria provided, single submitter. Criteria: Invitae Variant Classification Sherloc (09022015). Collection method: clinical testing. Allele origin: germline.
Comment: This sequence change replaces arginine, which is basic and polar, with cysteine, which is neutral and slightly polar, at codon 460 of the CUBN protein (p.Arg460Cys). In summary, the available evidence is currently insufficient to determine the role of this variant in disease. Therefore, it has been classified as a Variant of Uncertain Significance. Algorithms developed to predict the effect of missense changes on protein structure and function are either unavailable or do not agree on the potential impact of this missense change (SIFT: "Deleterious"; PolyPhen-2: "Possibly Damaging"; Align-GVGD: "Class C0"). This variant has not been reported in the literature in individuals affected with CUBN-related conditions. This variant is present in population databases (rs778961539, gnomAD 0.01%).